The following is an entry in ClinVar:

NM_001003787.4(STRADA):c.876G>A (p.Leu292=)

Gene: STRADA (STE20 related adaptor alpha; minus strand). Cytogenetic location: 17q23.3.
Variant type: single nucleotide variant.
Coding change: c.876G>A on transcript NM_001003787.4 (MANE Select); coding-DNA position 876, G replaced by A.
Protein change: p.Leu292=; no amino-acid change (leucine 292 retained).
Molecular consequence: synonymous variant. On other transcripts: 3 prime UTR variant (3), non-coding transcript variant (1).
Genome position (GRCh38, 1-based): chr17:63,704,565, C>T on the plus strand (G>A on the coding strand, the complement: STRADA is on the minus strand). VCF-style: chr17-63704565-C-T. GRCh37 (hg19) VCF-style: chr17-61781925-C-T.
Other names: c.765G>A, p.Leu255= (NM_001003786.3, NM_001363789.1, NM_153335.6); c.702G>A, p.Leu234= (NM_001003788.3, NM_001363790.1, NM_001363791.1); c.789G>A, p.Leu263= (NM_001165969.2, NM_001363787.1); c.744G>A, p.Leu248= (NM_001165970.2); c.852G>A, p.Leu284= (NM_001363786.1); c.876G>A, p.Leu292= (NM_001363788.1); c.*314G>A (NM_001411083.1, NM_001411084.1); c.*325G>A (NM_001411085.1).
Identifiers: ClinVar variation 3046511 (VCV003046511.2), dbSNP rs764094954, ClinGen allele CA8703191.

ClinVar aggregate classification (germline): Likely benign (0 of 4 stars; one submission).

Conditions:
STRADA-related disorder. Also called: STRADA-related condition.

Allele frequency attached by ClinVar (database versions not stated): gnomAD exomes 0.00001; ExAC 0.00002; gnomAD 0.00002.

Submission:

PreventionGenetics, part of Exact Sciences
Classification: Likely benign for STRADA-related condition. Last evaluated: 2023-08-09. Review status: no assertion criteria provided. Collection method: clinical testing. Allele origin: germline.
Comment: This variant is classified as likely benign based on ACMG/AMP sequence variant interpretation guidelines (Richards et al. 2015 PMID: 25741868, with internal and published modifications).